The following is an entry in ClinVar:

NM_006303.4(AIMP2):c.680C>T (p.Ala227Val)

Genes: AIMP2 (aminoacyl tRNA synthetase complex interacting multifunctional protein 2; plus strand), EIF2AK1 (eukaryotic translation initiation factor 2 alpha kinase 1; minus strand). Cytogenetic location: 7p22.1.
Variant type: single nucleotide variant.
Coding change: c.680C>T on transcript NM_006303.4 (MANE Select); coding-DNA position 680, C replaced by T.
Protein change: p.Ala227Val; replaces alanine 227 with valine.
Molecular consequence: missense variant. On other transcripts: 3 prime UTR variant (2).
Genome position (GRCh38, 1-based): chr7:6,023,408, C>T. VCF-style: chr7-6023408-C-T. GRCh37 (hg19) VCF-style: chr7-6063039-C-T.
Other names: c.*1265G>A (NM_001134335.2, NM_014413.4); c.560C>T, p.Ala187Val (NM_001326606.2); c.473C>T, p.Ala158Val (NM_001326607.2); c.446C>T, p.Ala149Val (NM_001326609.2, NM_001326610.2, NM_001326611.3); c.593C>T, p.Ala198Val (NM_001362785.2); c.548C>T, p.Ala183Val (NM_001362787.2); short protein forms A183V, A149V, A158V, A187V, A227V, A198V.
Identifiers: ClinVar variation 1489893 (VCV001489893.6), dbSNP rs1310790068, ClinGen allele CA366747811.

ClinVar aggregate classification (germline): Uncertain significance (1 of 4 stars; one submission).

Allele frequency attached by ClinVar (database versions not stated): gnomAD exomes below 0.00001.
gnomAD v4.1: 2 of 1,614,236 alleles (0.00012%); highest among the groups gnomAD compares: Admixed American, 0.0017%; no homozygotes.

Submission:

Labcorp Genetics (formerly Invitae), Labcorp
Classification: Uncertain significance. Last evaluated: 2021-11-26. Review status: criteria provided, single submitter. Criteria: Invitae Variant Classification Sherloc (09022015). Collection method: clinical testing. Allele origin: germline.
Comment: This sequence change replaces alanine, which is neutral and non-polar, with valine, which is neutral and non-polar, at codon 227 of the AIMP2 protein (p.Ala227Val). This variant is present in population databases (no rsID available, gnomAD 0.003%). This variant has not been reported in the literature in individuals affected with AIMP2-related conditions. Algorithms developed to predict the effect of missense changes on protein structure and function (SIFT, PolyPhen-2, Align-GVGD) all suggest that this variant is likely to be tolerated. In summary, the available evidence is currently insufficient to determine the role of this variant in disease. Therefore, it has been classified as a Variant of Uncertain Significance.